The following is an entry in ClinVar:

NM_020778.5(ALPK3):c.1784A>T (p.Asp595Val)

Gene: ALPK3 (alpha kinase 3; plus strand). Cytogenetic location: 15q25.3.
Variant type: single nucleotide variant.
Coding change: c.1784A>T on transcript NM_020778.5 (MANE Select); coding-DNA position 1784, A replaced by T.
Protein change: p.Asp595Val; replaces aspartic acid 595 with valine.
Molecular consequence: missense variant.
Genome position (GRCh38, 1-based): chr15:84,856,522, A>T. VCF-style: chr15-84856522-A-T. GRCh37 (hg19) VCF-style: chr15-85399753-A-T.
Other names: short protein forms D595V.
Identifiers: ClinVar variation 2521247 (VCV002521247.5), dbSNP rs1422078985, ClinGen allele CA393354673.
Genomic context (GRCh38, chr15:84,856,522, plus strand): 5'-GGGTTAGCACTTCCGGAAGTCAAGGTATCATTGAACCCATGGATATGGAAACCCAGGAGG[A>T]TGGGAGAACATCTGCTAACCAGAGAACTGGAAGCAAGAAGAATGTGCAGGCAGATGGGAA-3'
Protein context (NP_065829.4, residues 585-605): IEPMDMETQE[Asp595Val]GRTSANQRTG

ClinVar aggregate classification (germline): Uncertain significance. Review status: criteria provided, multiple submitters, no conflicts (2 of 4 stars). 2 submissions from 2 submitters: Uncertain significance (2). Last evaluated 2025-11-21.

Conditions:
Cardiovascular phenotype. Identifiers: MedGen CN230736.

Allele frequency attached by ClinVar (database versions not stated): gnomAD exomes below 0.00001; TOPMed 0.00001.
gnomAD v4.1: 3 of 1,614,148 alleles (0.00019%); highest among the groups gnomAD compares: Admixed American, 0.0033%; no homozygotes.

Submissions (2):

Labcorp Genetics (formerly Invitae), Labcorp
Classification: Uncertain significance. Last evaluated: 2025-11-21. Review status: criteria provided, single submitter. Criteria: Invitae Variant Classification Sherloc (09022015). Collection method: clinical testing. Allele origin: germline.
Comment: This sequence change replaces aspartic acid, which is acidic and polar, with valine, which is neutral and non-polar, at codon 797 of the ALPK3 protein (p.Asp797Val). This variant is present in population databases (no rsID available, gnomAD 0.006%). This variant has not been reported in the literature in individuals affected with ALPK3-related conditions. ClinVar contains an entry for this variant (Variation ID: 2521247). Invitae Evidence Modeling of protein sequence and biophysical properties (such as structural, functional, and spatial information, amino acid conservation, physicochemical variation, residue mobility, and thermodynamic stability) has been performed for this missense variant. However, the output from this modeling did not meet the statistical confidence thresholds required to predict the impact of this variant on ALPK3 protein function. In summary, the available evidence is currently insufficient to determine the role of this variant in disease. Therefore, it has been classified as a Variant of Uncertain Significance.

Ambry Genetics
Classification: Uncertain significance for Cardiovascular phenotype. Last evaluated: 2025-10-24. Review status: criteria provided, single submitter. Criteria: Ambry Variant Classification Scheme 2023. Collection method: clinical testing. Allele origin: germline.